The following is an entry in ClinVar:

NM_182760.4(SUMF1):c.386A>G (p.Tyr129Cys)

Gene: SUMF1 (sulfatase modifying factor 1; minus strand). Cytogenetic location: 3p26.1.
Variant type: single nucleotide variant.
Coding change: c.386A>G on transcript NM_182760.4 (MANE Select); coding-DNA position 386, A replaced by G.
Protein change: p.Tyr129Cys; replaces tyrosine 129 with cysteine.
Molecular consequence: missense variant.
Genome position (GRCh38, 1-based): chr3:4,452,934, T>C on the plus strand (A>G on the coding strand, the complement: SUMF1 is on the minus strand). VCF-style: chr3-4452934-T-C. GRCh37 (hg19) VCF-style: chr3-4494618-T-C.
Other names: c.386A>G, p.Tyr129Cys (NM_001164674.2, NM_001164675.2); c.386A>G (NM_182760.3); short protein forms Y129C.
Identifiers: ClinVar variation 2141817 (VCV002141817.2), dbSNP rs1353844043, ClinGen allele CA351793202.

ClinVar aggregate classification (germline): Uncertain significance. Review status: criteria provided, multiple submitters, no conflicts (2 of 4 stars). 2 submissions from 2 submitters: Uncertain significance (2). Last evaluated 2025-08-13.

Conditions:
Multiple sulfatase deficiency (MSD). Also called: Multiple Sulfatase Deficiency Disease; Sulfatidosis, Juvenile, Austin Type; Mucosulfatidosis. Identifiers: Orphanet 585, MedGen C0268263, MONDO:0010088, OMIM 272200.
Inborn genetic diseases. Identifiers: MedGen C0950123, MeSH D030342.

Allele frequency attached by ClinVar (database versions not stated): gnomAD exomes below 0.00001.
gnomAD v4.1: 7 of 1,614,206 alleles (0.00043%); highest among the groups gnomAD compares: African/African-American, 0.0013%; no homozygotes.

Submissions (2):

Ambry Genetics
Classification: Uncertain significance for Inborn genetic diseases. Last evaluated: 2025-08-13. Review status: criteria provided, single submitter. Criteria: Ambry Variant Classification Scheme 2023. Collection method: clinical testing. Allele origin: germline.

Labcorp Genetics (formerly Invitae), Labcorp
Classification: Uncertain significance for Multiple sulfatase deficiency. Last evaluated: 2022-06-22. Review status: criteria provided, single submitter. Criteria: Invitae Variant Classification Sherloc (09022015). Collection method: clinical testing. Allele origin: germline.
Comment: This sequence change replaces tyrosine, which is neutral and polar, with cysteine, which is neutral and slightly polar, at codon 129 of the SUMF1 protein (p.Tyr129Cys). This variant is present in population databases (no rsID available, gnomAD 0.0009%). This variant has not been reported in the literature in individuals affected with SUMF1-related conditions. Algorithms developed to predict the effect of missense changes on protein structure and function are either unavailable or do not agree on the potential impact of this missense change (SIFT: "Deleterious"; PolyPhen-2: "Probably Damaging"; Align-GVGD: "Class C0"). In summary, the available evidence is currently insufficient to determine the role of this variant in disease. Therefore, it has been classified as a Variant of Uncertain Significance.